The following is an entry in ClinVar:

ClinVar aggregate classification (germline): Likely benign (0 of 4 stars; one submission).

Conditions:
XPO5-related disorder. Also called: XPO5-related condition.

Submission:

PreventionGenetics, part of Exact Sciences
Classification: Likely benign for XPO5-related condition. Last evaluated: 2021-03-23. Review status: no assertion criteria provided. Collection method: clinical testing. Allele origin: germline.
Comment: This variant is classified as likely benign based on ACMG/AMP sequence variant interpretation guidelines (Richards et al. 2015 PMID: 25741868, with internal and published modifications).

NM_020750.3(XPO5):c.123A>G (p.Lys41=)

Gene: XPO5 (exportin 5; minus strand). Cytogenetic location: 6p21.1.
Variant type: single nucleotide variant.
Coding change: c.123A>G on transcript NM_020750.3 (MANE Select); coding-DNA position 123, A replaced by G.
Protein change: p.Lys41=; no amino-acid change (lysine 41 retained).
Molecular consequence: synonymous variant. On other transcripts: non-coding transcript variant (1).
Genome position (GRCh38, 1-based): chr6:43,573,584, T>C on the plus strand (A>G on the coding strand, the complement: XPO5 is on the minus strand). VCF-style: chr6-43573584-T-C. GRCh37 (hg19) VCF-style: chr6-43541321-T-C.
Identifiers: ClinVar variation 3030479 (VCV003030479.2), dbSNP rs2532277821, ClinGen allele CA450290397.
Genomic context (GRCh38, chr6:43,573,584, plus strand): 5'-GGCAACTTGTGTTTTCTCAGCCAACCTCAAGCCACAGGGGACACAGATAGGACACTTTTC[T>C]TTAAACTCCTCACAAAACTGAAAGAAGAAAAGTTAGTGTTTCCTTTCGAGGGCTGAGAGA-3'
Protein context (NP_065801.1, residues 31-51): LEALKFCEEF[Lys41=]EKCPICVPCG